The following is an entry in ClinVar:

ClinVar aggregate classification (germline): Uncertain significance. Review status: criteria provided, multiple submitters, no conflicts (2 of 4 stars). 4 submissions from 4 submitters: Uncertain significance (3). 1 of the submissions does not count toward it. Last evaluated 2026-01-15.

Conditions:
Familial dysautonomia. Also called: HSAN III; FD. Identifiers: Orphanet 1764, MedGen C0013364, MONDO:0009131, OMIM 223900. Disease mechanism: loss of function.

Allele frequency attached by ClinVar (database versions not stated): gnomAD 0.00001 and 0.00005; TOPMed 0.00001; gnomAD exomes 0.00003 and 0.00016; ExAC 0.00004; 1000 Genomes Project 30x 0.00047; 1000 Genomes Project 0.00060.
gnomAD v4.1: 228 of 1,613,628 alleles (0.014%); highest among the groups gnomAD compares: East Asian, 0.5%; 2 homozygotes.

Submissions (4):

Labcorp Genetics (formerly Invitae), Labcorp
Classification: Uncertain significance. Last evaluated: 2026-01-15. Review status: criteria provided, single submitter. Criteria: Invitae Variant Classification Sherloc (09022015). Collection method: clinical testing. Allele origin: germline.
Comment: This sequence change replaces valine, which is neutral and non-polar, with isoleucine, which is neutral and non-polar, at codon 108 of the IKBKAP protein (p.Val108Ile). This variant is present in population databases (rs192047457, gnomAD 0.04%). This variant has not been reported in the literature in individuals affected with IKBKAP-related conditions. ClinVar contains an entry for this variant (Variation ID: 364579). Invitae Evidence Modeling of protein sequence and biophysical properties (such as structural, functional, and spatial information, amino acid conservation, physicochemical variation, residue mobility, and thermodynamic stability) indicates that this missense variant is not expected to disrupt IKBKAP protein function with a negative predictive value of 80%. In summary, the available evidence is currently insufficient to determine the role of this variant in disease. Therefore, it has been classified as a Variant of Uncertain Significance.

Ambry Genetics
Classification: Uncertain significance. Last evaluated: 2023-12-26. Review status: criteria provided, single submitter. Criteria: Ambry Variant Classification Scheme 2023. Collection method: clinical testing. Allele origin: germline.
Comment: The p.V108I variant (also known as c.322G>A), located in coding exon 3 of the IKBKAP gene, results from a G to A substitution at nucleotide position 322. The valine at codon 108 is replaced by isoleucine, an amino acid with highly similar properties. This amino acid position is conserved. In addition, this alteration is predicted to be tolerated by in silico analysis. Since supporting evidence is limited at this time, the clinical significance of this alteration remains unclear.

Illumina Laboratory Services, Illumina
Classification: Uncertain significance for Familial dysautonomia. Last evaluated: 2018-01-13. Review status: criteria provided, single submitter. Criteria: ICSL Variant Classification Criteria 13 December 2019. Collection method: clinical testing. Allele origin: germline.

Natera, Inc.
Classification: Uncertain significance for Familial dysautonomia. Last evaluated: 2020-09-16. Review status: no assertion criteria provided. Collection method: clinical testing. Allele origin: germline. Not counted in ClinVar's aggregate classification.

NM_003640.5(ELP1):c.322G>A (p.Val108Ile)

Gene: ELP1 (elongator acetyltransferase complex subunit 1; minus strand). Cytogenetic location: 9q31.3.
Variant type: single nucleotide variant.
Coding change: c.322G>A on transcript NM_003640.5 (MANE Select); coding-DNA position 322, G replaced by A.
Protein change: p.Val108Ile; replaces valine 108 with isoleucine.
Molecular consequence: missense variant. On other transcripts: 5 prime UTR variant (2).
Genome position (GRCh38, 1-based): chr9:108,927,435, C>T on the plus strand (G>A on the coding strand, the complement: ELP1 is on the minus strand). VCF-style: chr9-108927435-C-T. GRCh37 (hg19) VCF-style: chr9-111689715-C-T.
Other names: c.-21G>A (NM_001318360.2); c.-538G>A (NM_001330749.2); c.322G>A (LRG_251t1); short protein forms V108I.
Identifiers: ClinVar variation 364579 (VCV000364579.11), dbSNP rs192047457, ClinGen allele CA5175393.